The following is an entry in ClinVar:

ClinVar aggregate classification (germline): Uncertain significance (1 of 4 stars; one submission).

Conditions:
Emery-Dreifuss muscular dystrophy 4, autosomal dominant (EDMD4). Also called: EMERY-DREIFUSS MUSCULAR DYSTROPHY 4 WITH VARIABLE FEATURES. Identifiers: Orphanet 261, MedGen C2751807, MONDO:0013071, OMIM 612998.
Autosomal recessive ataxia, Beauce type. Also called: SYNE1 Deficiency; Spinocerebellar ataxia, autosomal recessive 8; ATAXIA, RECESSIVE, OF BEAUCE; SYNE1-Related Autosomal Recessive Cerebellar Ataxia. Identifiers: Orphanet 88644, MedGen C1853116, MONDO:0012549, OMIM 610743.

Allele frequency attached by ClinVar (database versions not stated): ExAC 0.00001.
gnomAD v4.1: 2 of 1,613,772 alleles (0.00012%); highest among the groups gnomAD compares: Admixed American, 0.0017%; no homozygotes.

Submission:

Labcorp Genetics (formerly Invitae), Labcorp
Classification: Uncertain significance for Emery-Dreifuss muscular dystrophy 4, autosomal dominant; Autosomal recessive ataxia, Beauce type. Last evaluated: 2022-08-10. Review status: criteria provided, single submitter. Criteria: Invitae Variant Classification Sherloc (09022015). Collection method: clinical testing. Allele origin: germline.
Comment: In summary, the available evidence is currently insufficient to determine the role of this variant in disease. Therefore, it has been classified as a Variant of Uncertain Significance. Algorithms developed to predict the effect of missense changes on protein structure and function are either unavailable or do not agree on the potential impact of this missense change (SIFT: "Tolerated"; PolyPhen-2: "Possibly Damaging"; Align-GVGD: "Class C15"). This variant has not been reported in the literature in individuals affected with SYNE1-related conditions. This variant is present in population databases (rs778475037, gnomAD 0.007%). This sequence change replaces serine, which is neutral and polar, with arginine, which is basic and polar, at codon 4113 of the SYNE1 protein (p.Ser4113Arg).

NM_182961.4(SYNE1):c.12552C>G (p.Ser4184Arg)

Gene: SYNE1 (spectrin repeat containing nuclear envelope protein 1; minus strand). Cytogenetic location: 6q25.2.
Variant type: single nucleotide variant.
Coding change: c.12552C>G on transcript NM_182961.4 (MANE Select); coding-DNA position 12552, C replaced by G.
Protein change: p.Ser4184Arg; replaces serine 4184 with arginine.
Molecular consequence: missense variant.
Genome position (GRCh38, 1-based): chr6:152,334,250, G>C on the plus strand (C>G on the coding strand, the complement: SYNE1 is on the minus strand). VCF-style: chr6-152334250-G-C. GRCh37 (hg19) VCF-style: chr6-152655385-G-C.
Other names: c.12339C>G, p.Ser4113Arg (NM_033071.5); short protein forms S4113R, S4184R.
Identifiers: ClinVar variation 2059177 (VCV002059177.4), dbSNP rs778475037, ClinGen allele CA4056360.
Genomic context (GRCh38, chr6:152,334,250, plus strand): 5'-TTCCTCCTTCTTTGTTAACTTATTCACCTTTTCTATTATGGTGTTCACGGATGCCTGTTT[G>C]CTCTGTAGTTTCTTAACAAAATCCTAAAGGATAACAGCAACAAAAAATATGTAATGTGTT-3'
Protein context (NP_892006.3, residues 4174-4194): QVKDFVKKLQ[Ser4184Arg]KQASVNTIIE